The following is an entry in ClinVar:

ClinVar aggregate classification (germline): Uncertain significance (1 of 4 stars; one submission).

Submission:

Labcorp Genetics (formerly Invitae), Labcorp
Classification: Uncertain significance. Last evaluated: 2020-01-24. Review status: criteria provided, single submitter. Criteria: Invitae Variant Classification Sherloc (09022015). Collection method: clinical testing. Allele origin: germline.
Comment: In summary, the available evidence is currently insufficient to determine the role of this variant in disease. Therefore, it has been classified as a Variant of Uncertain Significance. Experimental studies and prediction algorithms are not available or were not evaluated, and the functional significance of this variant is currently unknown. This variant has not been reported in the literature in individuals with GDF1-related conditions. The frequency data for this variant in the population databases is considered unreliable, as metrics indicate insufficient coverage at this position in the ExAC database. This variant, c.62_73del, results in the deletion of 4 amino acid(s) of the GDF1 protein (p.Leu21_Leu24del), but otherwise preserves the integrity of the reading frame.

NM_001492.6(GDF1):c.62_73del (p.Leu21_Leu24del)

Genes: CERS1 (ceramide synthase 1; minus strand), GDF1 (growth differentiation factor 1; minus strand). Cytogenetic location: 19p13.11.
Variant type: Deletion.
Coding change: c.62_73del on transcript NM_001492.6 (MANE Select); coding-DNA positions 62 to 73, 12 bases deleted (TGCCCTCGCTGC).
Protein change: p.Leu21_Leu24del.
Molecular consequence: inframe deletion. On other transcripts: 3 prime UTR variant (2).
Genome position (GRCh38, 1-based): chr19:18,870,235-18,870,246, GCAGCGAGGGCA deleted on the plus strand (TGCCCTCGCTGC on the coding strand, the reverse complement: GDF1 is on the minus strand); deleting any 12 consecutive bases within chr19:18,870,235-18,870,251 gives the same sequence; the c. name uses the placement nearest the transcript's 3' end. VCF-style (leftmost placement, unchanged base first): chr19-18870234-GGCAGCGAGGGCA-G. GRCh37 (hg19) VCF-style: chr19-18981043-GGCAGCGAGGGCA-G.
Other names: c.*331_*342del (NM_001387440.1, NM_021267.5); c.62_73del, p.Leu21_Leu24del (NM_001387438.1).
Identifiers: ClinVar variation 1053494 (VCV001053494.9), dbSNP rs1179919756, ClinGen allele CA632627253.